The following is an entry in ClinVar:

ClinVar aggregate classification (germline): Uncertain significance (1 of 4 stars; one submission).

Submission:

GeneDx
Classification: Uncertain significance. Last evaluated: 2024-04-11. Review status: criteria provided, single submitter. Criteria: GeneDx Variant Classification Process June 2021. Collection method: clinical testing. Allele origin: germline. Affected: yes.
Comment: Not observed at significant frequency in large population cohorts (gnomAD); In silico analysis supports that this missense variant has a deleterious effect on protein structure/function; Has not been previously published as pathogenic or benign to our knowledge

NM_004408.4(DNM1):c.536C>G (p.Ser179Cys)

Genes: DNM1 (dynamin 1; plus strand), LOC113839516 (Sharpr-MPRA regulatory region 8497; plus strand). Cytogenetic location: 9q34.11.
Variant type: single nucleotide variant.
Coding change: c.536C>G on transcript NM_004408.4 (MANE Select); coding-DNA position 536, C replaced by G.
Protein change: p.Ser179Cys; replaces serine 179 with cysteine.
Molecular consequence: missense variant.
Genome position (GRCh38, 1-based): chr9:128,219,199, C>G. VCF-style: chr9-128219199-C-G. GRCh37 (hg19) VCF-style: chr9-130981478-C-G.
Other names: c.536C>G, p.Ser179Cys (NM_001005336.3, NM_001288737.2, NM_001288738.2 and 2 more transcripts); short protein forms S179C.
Identifiers: ClinVar variation 3372407 (VCV003372407.1).